The following is an entry in ClinVar:

ClinVar aggregate classification (germline): Uncertain significance (1 of 4 stars; one submission).

Allele frequency attached by ClinVar (database versions not stated): gnomAD exomes below 0.00001.
gnomAD v4.1: 1 of 1,611,480 alleles (0.000062%); highest among the groups gnomAD compares: South Asian, 0.0011%; no homozygotes.

Submission:

Labcorp Genetics (formerly Invitae), Labcorp
Classification: Uncertain significance. Last evaluated: 2022-06-28. Review status: criteria provided, single submitter. Criteria: Invitae Variant Classification Sherloc (09022015). Collection method: clinical testing. Allele origin: germline.
Comment: In summary, the available evidence is currently insufficient to determine the role of this variant in disease. Therefore, it has been classified as a Variant of Uncertain Significance. Algorithms developed to predict the effect of sequence changes on RNA splicing suggest that this variant may disrupt the consensus splice site. This variant has not been reported in the literature in individuals affected with NEK2-related conditions. This variant is not present in population databases (gnomAD no frequency). This sequence change falls in intron 7 of the NEK2 gene. It does not directly change the encoded amino acid sequence of the NEK2 protein.

NM_002497.4(NEK2):c.1112-6C>G

Gene: NEK2 (NIMA related kinase 2; minus strand). Cytogenetic location: 1q32.3.
Variant type: single nucleotide variant.
Coding change: c.1112-6C>G on transcript NM_002497.4 (MANE Select); 6 bases into the intron before coding-DNA position 1112, C replaced by G.
Molecular consequence: intron variant.
Genome position (GRCh38, 1-based): chr1:211,663,658, G>C on the plus strand (C>G on the coding strand, the complement: NEK2 is on the minus strand). VCF-style: chr1-211663658-G-C. GRCh37 (hg19) VCF-style: chr1-211837000-G-C.
Other names: c.1111+3448C>G (NM_001204182.2).
Identifiers: ClinVar variation 2011967 (VCV002011967.4), dbSNP rs1251119363, ClinGen allele CA2580062022.
Genomic context (GRCh38, chr1:211,663,658, plus strand): 5'-TCCCCACTGAAATGAACTTTCTTCTTAATTACTGAGGATGGAAGATTAAGAAGTTCTTTA[G>C]AAGGAAAAAGAAAAAGGGCTCTGAGTTACTTGAACAGAGTTCAACTCCTTCATACTTATA-3'